The following is an entry in ClinVar:

ClinVar aggregate classification (germline): Benign/Likely benign. Review status: criteria provided, multiple submitters, no conflicts (2 of 4 stars). 6 submissions from 6 submitters: Benign (1); Likely benign (5). Last evaluated 2025-09-07.

Conditions:
ANKRD11-related disorder. Also called: ANKRD11-related condition.
Inborn genetic diseases. Identifiers: MedGen C0950123, MeSH D030342.
KBG syndrome (KBGS). Also called: ANKRD11-Related KBG Syndrome. Identifiers: Orphanet 2332, MedGen C0220687, MONDO:0007846, OMIM 148050.

Allele frequency attached by ClinVar (database versions not stated): ESP Exome Variant Server 0.00015; ExAC 0.00017; gnomAD 0.00019; TOPMed 0.00019; 1000 Genomes Project 0.00020; gnomAD exomes 0.00020; 1000 Genomes Project 30x 0.00031.
gnomAD v4.1: 582 of 1,614,218 alleles (0.036%); highest among the groups gnomAD compares: Non-Finnish European, 0.046%; no homozygotes.

Submissions (6):

Labcorp Genetics (formerly Invitae), Labcorp
Classification: Benign for KBG syndrome. Last evaluated: 2025-09-07. Review status: criteria provided, single submitter. Criteria: Invitae Variant Classification Sherloc (09022015). Collection method: clinical testing. Allele origin: germline.

PreventionGenetics, part of Exact Sciences
Classification: Likely benign for ANKRD11-related condition. Last evaluated: 2025-08-17. Review status: criteria provided, single submitter. Criteria: ACMG Guidelines, 2015. Collection method: clinical testing. Allele origin: germline.
Comment: This variant is classified as likely benign based on ACMG/AMP sequence variant interpretation guidelines (Richards et al. 2015 PMID: 25741868, with internal and published modifications).

Laboratory of Genetics, Children's Clinical University Hospital Latvia
Classification: Likely benign. Last evaluated: 2025-02-16. Review status: criteria provided, single submitter. Criteria: ACMG Guidelines, 2015. Collection method: clinical testing. Allele origin: germline. Affected: yes.

Blueprint Genetics
Classification: Likely benign. Last evaluated: 2024-11-15. Review status: criteria provided, single submitter. Criteria: ACMG Guidelines, 2015. Collection method: clinical testing. Allele origin: germline.

Ambry Genetics
Classification: Likely benign for Inborn genetic diseases. Last evaluated: 2021-07-15. Review status: criteria provided, single submitter. Criteria: Ambry Variant Classification Scheme 2023. Collection method: clinical testing. Allele origin: germline.

GeneDx
Classification: Likely benign. Last evaluated: 2021-01-15. Review status: criteria provided, single submitter. Criteria: GeneDx Variant Classification Process June 2021. Collection method: clinical testing. Allele origin: germline. Affected: yes.

NM_013275.6(ANKRD11):c.838G>T (p.Val280Leu)

Gene: ANKRD11 (ankyrin repeat domain 11; minus strand). Cytogenetic location: 16q24.3.
Variant type: single nucleotide variant.
Coding change: c.838G>T on transcript NM_013275.6 (MANE Select); coding-DNA position 838, G replaced by T.
Protein change: p.Val280Leu; replaces valine 280 with leucine.
Molecular consequence: missense variant.
Genome position (GRCh38, 1-based): chr16:89,286,093, C>A on the plus strand (G>T on the coding strand, the complement: ANKRD11 is on the minus strand). VCF-style: chr16-89286093-C-A. GRCh37 (hg19) VCF-style: chr16-89352501-C-A.
Other names: c.838G>T, p.Val280Leu (NM_001256182.2, NM_001256183.2); c.838G>T (NM_013275.4); short protein forms V280L.
Identifiers: ClinVar variation 1254678 (VCV001254678.11), dbSNP rs199778705, ClinGen allele CA8242921.